The following is an entry in ClinVar:

ClinVar aggregate classification (germline): Uncertain significance (1 of 4 stars; one submission).

Conditions:
HMGCL-related disorder. Also called: HMGCL-related condition.

Submission:

PreventionGenetics, part of Exact Sciences
Classification: Uncertain significance for HMGCL-related condition. Last evaluated: 2023-03-13. Review status: criteria provided, single submitter. Criteria: ACMG Guidelines, 2015. Collection method: clinical testing. Allele origin: germline.
Comment: The HMGCL c.60+5G>A variant is predicted to interfere with splicing. To our knowledge, this variant has not been reported in the literature or in a large population database, indicating this variant is rare. A different variant impacting the same splice donor site (c.60+1G>C) was reported along with a missense HMGCL variant in a patient with biochemically confirmed HMG-CoA lyase deficiency, although no RNA studies were performed to confirm the predicted splicing defect and parental testing was unable to be performed to confirm the phasing of the identified variants (Boutouchent et al. 2021. PubMed ID: 34573903). While we suspect that the c.60+5G>A variant may be pathogenic, at this time, the clinical significance of this variant is uncertain due to the absence of conclusive functional and genetic evidence.

NM_000191.3(HMGCL):c.60+5G>A

Gene: HMGCL (3-hydroxy-3-methylglutaryl-CoA lyase; minus strand). Cytogenetic location: 1p36.11.
Variant type: single nucleotide variant.
Coding change: c.60+5G>A on transcript NM_000191.3 (MANE Select); 5 bases into the intron after coding-DNA position 60, G replaced by A.
Molecular consequence: intron variant.
Genome position (GRCh38, 1-based): chr1:23,825,351, C>T on the plus strand (G>A on the coding strand, the complement: HMGCL is on the minus strand). VCF-style: chr1-23825351-C-T. GRCh37 (hg19) VCF-style: chr1-24151841-C-T.
Other names: c.60+5G>A (NM_001166059.2).
Identifiers: ClinVar variation 2633384 (VCV002633384.1), dbSNP rs1472212511, ClinGen allele CA1158972651.